The following is an entry in ClinVar:

NM_012186.3(FOXE3):c.587delinsCGCCCGC (p.Gly196delinsAlaProAla)

Genes: FOXE3 (forkhead box E3; plus strand), LINC01389 (long intergenic non-protein coding RNA 1389; minus strand). Cytogenetic location: 1p33.
Variant type: Indel.
Coding change: c.587delinsCGCCCGC on transcript NM_012186.3 (MANE Select); coding-DNA position 587, G replaced by CGCCCGC.
Protein change: p.Gly196delinsAlaProAla.
Molecular consequence: inframe indel.
Genome position (GRCh38, 1-based): chr1:47,416,902, G replaced by CGCCCGC. VCF-style: chr1-47416902-G-CGCCCGC. GRCh37 (hg19) VCF-style: chr1-47882574-G-CGCCCGC.
Identifiers: ClinVar variation 4614219 (VCV004614219.1).

ClinVar aggregate classification (germline): Uncertain significance (1 of 4 stars; one submission).

Conditions:
Cardiovascular phenotype. Identifiers: MedGen CN230736.

Submission:

Ambry Genetics
Classification: Uncertain significance for Cardiovascular phenotype. Last evaluated: 2025-09-25. Review status: criteria provided, single submitter. Criteria: Ambry Variant Classification Scheme 2023. Collection method: clinical testing. Allele origin: germline.
Comment: The c.587delGinsCGCCCGC variant, located in coding exon 1 of the FOXE3 gene, results from an in-frame deletion of G and insertion of CGCCCGC at nucleotide positions 587 to 587. This results in the substitution of the glycine residue for APA residues at codon 196. This amino acid position is not well conserved in available vertebrate species. In addition, this variant is predicted to be neutral by in silico analysis (Choi Y et al. PLoS ONE. 2012; 7(10):e46688). Based on the available evidence, the clinical significance of this variant remains unclear.